The following is an entry in ClinVar:

NM_000062.3(SERPING1):c.1121T>C (p.Leu374Pro)

Gene: SERPING1 (serpin family G member 1; plus strand). Cytogenetic location: 11q12.1.
Variant type: single nucleotide variant.
Coding change: c.1121T>C on transcript NM_000062.3 (MANE Select); coding-DNA position 1121, T replaced by C.
Protein change: p.Leu374Pro; replaces leucine 374 with proline.
Molecular consequence: missense variant.
Genome position (GRCh38, 1-based): chr11:57,611,808, T>C. VCF-style: chr11-57611808-T-C. GRCh37 (hg19) VCF-style: chr11-57379281-T-C.
Other names: c.1121T>C, p.Leu374Pro (NM_001032295.2); short protein forms L374P.
Identifiers: ClinVar variation 426682 (VCV000426682.2), dbSNP rs1085307742, ClinGen allele CA380702833.
Genomic context (GRCh38, chr11:57,611,808, plus strand): 5'-GTTTGGTGATCCTGGTACCCCAGAACCTGAAACATCGTCTTGAAGACATGGAACAGGCTC[T>C]CAGCCCTTCTGTTTTCAAGGCCATCATGGAGAAACTGGAGATGTCCAAGTTCCAGCCCAC-3'
Protein context (NP_000053.2, residues 364-384): KHRLEDMEQA[Leu374Pro]SPSVFKAIME

ClinVar aggregate classification (germline): Uncertain significance (1 of 4 stars; one submission).

Submission:

GeneDx
Classification: Uncertain significance. Last evaluated: 2017-04-07. Review status: criteria provided, single submitter. Criteria: GeneDx Variant Classification (06012015). Collection method: clinical testing. Allele origin: germline. Affected: yes.
Comment: The L374P variant has not been published as a pathogenic variant, nor has it been reported as a benign variant to our knowledge. The variant is not observed in large population cohorts (Lek et al., 2016; 1000 Genomes Consortium et al., 2015; Exome Variant Server). L374P is a semi-conservative amino acid substitution, which may impact secondary protein structure as these residues differ in some properties. This substitution occurs at a position that is conserved across species, and in silico analysis predicts this variant is probably damaging to the protein structure/function. In summary, based on the currently available information, it is unclear whether this variant is a pathogenic variant or a rare benign variant.